The following is an entry in ClinVar:

ClinVar aggregate classification (germline): Uncertain significance (1 of 4 stars; one submission).

Conditions:
Xeroderma pigmentosum, group F (XPF). Also called: ERCC4-Related Xeroderma Pigmentosum; XERODERMA PIGMENTOSUM, COMPLEMENTATION GROUP F; XERODERMA PIGMENTOSUM VI; XP, GROUP F; XERODERMA PIGMENTOSUM, TYPE F; Xeroderma pigmentosum, type 6. Identifiers: MedGen C0268140, MONDO:0010215, OMIM 278760.
Fanconi anemia complementation group Q. Identifiers: Orphanet 84, MedGen C3808988, MONDO:0014108, OMIM 615272.
Cockayne syndrome. Identifiers: Orphanet 191, MedGen C0009207, MONDO:0016006.

Allele frequency attached by ClinVar (database versions not stated): gnomAD exomes below 0.00001.

Submission:

Labcorp Genetics (formerly Invitae), Labcorp
Classification: Uncertain significance for Fanconi anemia complementation group Q; Xeroderma pigmentosum, group F; Cockayne syndrome. Last evaluated: 2023-03-03. Review status: criteria provided, single submitter. Criteria: Invitae Variant Classification Sherloc (09022015). Collection method: clinical testing. Allele origin: germline.
Comment: This sequence change replaces isoleucine, which is neutral and non-polar, with valine, which is neutral and non-polar, at codon 704 of the ERCC4 protein (p.Ile704Val). This variant is not present in population databases (gnomAD no frequency). This variant has not been reported in the literature in individuals affected with ERCC4-related conditions. Advanced modeling of protein sequence and biophysical properties (such as structural, functional, and spatial information, amino acid conservation, physicochemical variation, residue mobility, and thermodynamic stability) performed at Invitae indicates that this missense variant is not expected to disrupt ERCC4 protein function. In summary, the available evidence is currently insufficient to determine the role of this variant in disease. Therefore, it has been classified as a Variant of Uncertain Significance.

NM_005236.3(ERCC4):c.2110A>G (p.Ile704Val)

Gene: ERCC4 (ERCC excision repair 4, endonuclease catalytic subunit; plus strand). Cytogenetic location: 16p13.12.
Variant type: single nucleotide variant.
Coding change: c.2110A>G on transcript NM_005236.3 (MANE Select); coding-DNA position 2110, A replaced by G.
Protein change: p.Ile704Val; replaces isoleucine 704 with valine.
Molecular consequence: missense variant.
Genome position (GRCh38, 1-based): chr16:13,947,706, A>G. VCF-style: chr16-13947706-A-G. GRCh37 (hg19) VCF-style: chr16-14041563-A-G.
Other names: short protein forms I704V.
Identifiers: ClinVar variation 2929687 (VCV002929687.1), dbSNP rs2543195089, ClinGen allele CA394821812.